The following is an entry in ClinVar:

NM_000313.4(PROS1):c.1820T>G (p.Leu607Trp)

Gene: PROS1 (protein S; minus strand). Cytogenetic location: 3q11.1.
Variant type: single nucleotide variant.
Coding change: c.1820T>G on transcript NM_000313.4 (MANE Select); coding-DNA position 1820, T replaced by G.
Protein change: p.Leu607Trp; replaces leucine 607 with tryptophan.
Molecular consequence: missense variant.
Genome position (GRCh38, 1-based): chr3:93,877,016, A>C on the plus strand (T>G on the coding strand, the complement: PROS1 is on the minus strand). VCF-style: chr3-93877016-A-C. GRCh37 (hg19) VCF-style: chr3-93595860-A-C.
Other names: c.1916T>G, p.Leu639Trp (NM_001314077.2); short protein forms L607W, L639W.
Identifiers: ClinVar variation 4729666 (VCV004729666.1).
Genomic context (GRCh38, chr3:93,877,016, plus strand): 5'-AAGCAGATACCTGGAAGGCCACCCAGGTATGTGGCCACTTTTGCTTTCATTGCTTTGTCC[A>C]AGACGGCAAGTTGTCTTTGAAGGTCTTCATGGGAGATGGTTTCTATTTTAAGTGGTGTCG-3'
Protein context (NP_000304.2, residues 597-617): HEDLQRQLAV[Leu607Trp]DKAMKAKVAT

ClinVar aggregate classification (germline): Uncertain significance (1 of 4 stars; one submission).

Conditions:
Thrombophilia due to protein S deficiency, autosomal recessive (THPH6). Identifiers: Orphanet 743, MedGen C3281092, MONDO:0013791, OMIM 614514. Disease mechanism: loss of function.

Submission:

Labcorp Genetics (formerly Invitae), Labcorp
Classification: Uncertain significance for Thrombophilia due to protein S deficiency, autosomal recessive. Last evaluated: 2025-03-04. Review status: criteria provided, single submitter. Criteria: Invitae Variant Classification Sherloc (09022015). Collection method: clinical testing. Allele origin: germline.
Comment: This sequence change replaces leucine, which is neutral and non-polar, with tryptophan, which is neutral and slightly polar, at codon 607 of the PROS1 protein (p.Leu607Trp). This variant is not present in population databases (gnomAD no frequency). This variant has not been reported in the literature in individuals affected with PROS1-related conditions. Invitae Evidence Modeling of protein sequence and biophysical properties (such as structural, functional, and spatial information, amino acid conservation, physicochemical variation, residue mobility, and thermodynamic stability) indicates that this missense variant is expected to disrupt PROS1 protein function with a positive predictive value of 80%. This variant disrupts the p.Leu607Ser amino acid residue in PROS1. Other variant(s) that disrupt this residue have been determined to be pathogenic (PMID: 34496879). This suggests that this residue is clinically significant, and that variants that disrupt this residue are likely to be disease-causing. In summary, the available evidence is currently insufficient to determine the role of this variant in disease. Therefore, it has been classified as a Variant of Uncertain Significance.

Literature cited by the submitters: PubMed 34496879.